The following is an entry in ClinVar:

NM_003722.5(TP63):c.1295T>C (p.Ile432Thr)

Gene: TP63 (tumor protein p63; plus strand). Cytogenetic location: 3q28.
Variant type: single nucleotide variant.
Coding change: c.1295T>C on transcript NM_003722.5 (MANE Select); coding-DNA position 1295, T replaced by C.
Protein change: p.Ile432Thr; replaces isoleucine 432 with threonine.
Molecular consequence: missense variant.
Genome position (GRCh38, 1-based): chr3:189,872,941, T>C. VCF-style: chr3-189872941-T-C. GRCh37 (hg19) VCF-style: chr3-189590730-T-C.
Other names: c.1295T>C, p.Ile432Thr (NM_001114978.2, NM_001114979.2, NM_001329144.2); c.1013T>C, p.Ile338Thr (NM_001114980.2, NM_001114981.2, NM_001114982.2 and 1 more transcripts); c.758T>C, p.Ile253Thr (NM_001329146.2); c.1283T>C, p.Ile428Thr (NM_001329148.2); c.1001T>C, p.Ile334Thr (NM_001329149.2); c.746T>C, p.Ile249Thr (NM_001329150.2); c.1289T>C, p.Ile430Thr (NM_001329964.2); short protein forms I249T, I253T, I428T, I338T, I430T, I432T, I334T.
Identifiers: ClinVar variation 2744148 (VCV002744148.2), dbSNP rs2474635332, ClinGen allele CA355755971.

ClinVar aggregate classification (germline): Uncertain significance (1 of 4 stars; one submission).

Conditions:
TP63-Related Spectrum Disorders.

Allele frequency attached by ClinVar (database versions not stated): gnomAD exomes below 0.00001.
gnomAD v4.1: 2 of 1,614,094 alleles (0.00012%); highest among the groups gnomAD compares: Non-Finnish European, 0.00017%; no homozygotes.

Submission:

Labcorp Genetics (formerly Invitae), Labcorp
Classification: Uncertain significance. Last evaluated: 2023-07-17. Review status: criteria provided, single submitter. Criteria: Invitae Variant Classification Sherloc (09022015). Collection method: clinical testing. Allele origin: germline.
Comment: This variant has not been reported in the literature in individuals affected with TP63-related conditions. In summary, the available evidence is currently insufficient to determine the role of this variant in disease. Therefore, it has been classified as a Variant of Uncertain Significance. Advanced modeling of protein sequence and biophysical properties (such as structural, functional, and spatial information, amino acid conservation, physicochemical variation, residue mobility, and thermodynamic stability) has been performed at Invitae for this missense variant, however the output from this modeling did not meet the statistical confidence thresholds required to predict the impact of this variant on TP63 protein function. This variant is not present in population databases (gnomAD no frequency). This sequence change replaces isoleucine, which is neutral and non-polar, with threonine, which is neutral and polar, at codon 432 of the TP63 protein (p.Ile432Thr).